The following is an entry in ClinVar:

NM_001040108.2(MLH3):c.15G>A (p.Leu5=)

Gene: MLH3 (mutL homolog 3; minus strand). Cytogenetic location: 14q24.3.
Variant type: single nucleotide variant.
Coding change: c.15G>A on transcript NM_001040108.2 (MANE Select); coding-DNA position 15, G replaced by A.
Protein change: p.Leu5=; no amino-acid change (leucine 5 retained).
Molecular consequence: synonymous variant.
Genome position (GRCh38, 1-based): chr14:75,049,641, C>T on the plus strand (G>A on the coding strand, the complement: MLH3 is on the minus strand). VCF-style: chr14-75049641-C-T. GRCh37 (hg19) VCF-style: chr14-75516344-C-T.
Other names: c.15G>A, p.Leu5= (NM_014381.3).
Identifiers: ClinVar variation 1776150 (VCV001776150.3), dbSNP rs1892533790, ClinGen allele CA487177504.
Genomic context (GRCh38, chr14:75,049,641, plus strand): 5'-ACATTGGCCCAAGGAGCTTATGGCCAAACCAGAACGCAATTTGGCTTGTACTTCAACTGA[C>T]AAGCACTTGATCATGGTAGGTAGAAAGATGGTGAGAATGCCAGGCACTGGTTTCCTTCTC-3'
Protein context (NP_001035197.1, residues 1-15): MIKC[Leu5=]SVEVQAKLRS

ClinVar aggregate classification (germline): Benign/Likely benign. Review status: criteria provided, multiple submitters, no conflicts (2 of 4 stars). 2 submissions from 2 submitters: Benign (1); Likely benign (1). Last evaluated 2026-09-22.

Conditions:
Colorectal cancer, hereditary nonpolyposis, type 7. Identifiers: Orphanet 144, MedGen C1858380, MONDO:0013725, OMIM 614385.

Submissions (2):

Myriad Genetics, Inc.
Classification: Benign for Colorectal cancer, hereditary nonpolyposis, type 7. Last evaluated: 2026-09-22. Review status: criteria provided, single submitter. Criteria: Myriad Autosomal Dominant, Autosomal Recessive and X-Linked Classification Criteria (2023). Collection method: clinical testing. Allele origin: unknown.
Comment: This variant is considered benign. This variant is a silent/synonymous amino acid change and it is not expected to impact splicing.

Ambry Genetics
Classification: Likely benign. Last evaluated: 2020-03-16. Review status: criteria provided, single submitter. Criteria: Ambry Variant Classification Scheme 2023. Collection method: clinical testing. Allele origin: germline.